The following is an entry in ClinVar:

ClinVar aggregate classification (germline): Uncertain significance. Review status: criteria provided, multiple submitters, no conflicts (2 of 4 stars). 4 submissions from 4 submitters: Uncertain significance (3). 1 of the submissions does not count toward it. Last evaluated 2024-12-16.

Conditions:
Retinitis pigmentosa 71 (RP71). Identifiers: Orphanet 791, MedGen C4225342, MONDO:0014618, OMIM 616394.
Short-rib thoracic dysplasia 10 with or without polydactyly (SRTD10). Identifiers: Orphanet 474, MedGen C3810175, MONDO:0014284, OMIM 615630.
Bardet-Biedl syndrome 20. Identifiers: MedGen C4310707, MONDO:0023670, OMIM 619471, MONDO:0014926.
Inborn genetic diseases. Identifiers: MedGen C0950123, MeSH D030342.
IFT172-related disorder. Also called: IFT172-related condition; IFT172-related disorders.

Allele frequency attached by ClinVar (database versions not stated): ExAC 0.00002; TOPMed below 0.00001; gnomAD exomes 0.00001.

Submissions (4):

Ambry Genetics
Classification: Uncertain significance for Inborn genetic diseases. Last evaluated: 2024-12-16. Review status: criteria provided, single submitter. Criteria: Ambry Variant Classification Scheme 2023. Collection method: clinical testing. Allele origin: germline.

Fulgent Genetics
Classification: Uncertain significance for Short-rib thoracic dysplasia 10 with or without polydactyly; Retinitis pigmentosa 71; Bardet-Biedl syndrome 20. Last evaluated: 2024-04-10. Review status: criteria provided, single submitter. Criteria: ACMG Guidelines, 2015. Collection method: clinical testing. Allele origin: germline.

Labcorp Genetics (formerly Invitae), Labcorp
Classification: Uncertain significance for Retinitis pigmentosa 71; Short-rib thoracic dysplasia 10 with or without polydactyly. Last evaluated: 2023-12-11. Review status: criteria provided, single submitter. Criteria: Invitae Variant Classification Sherloc (09022015). Collection method: clinical testing. Allele origin: germline.
Comment: This sequence change replaces arginine, which is basic and polar, with glycine, which is neutral and non-polar, at codon 1076 of the IFT172 protein (p.Arg1076Gly). This variant is present in population databases (rs770486522, gnomAD 0.003%). This variant has not been reported in the literature in individuals affected with IFT172-related conditions. ClinVar contains an entry for this variant (Variation ID: 1023885). An algorithm developed to predict the effect of missense changes on protein structure and function (PolyPhen-2) suggests that this variant is likely to be disruptive. In summary, the available evidence is currently insufficient to determine the role of this variant in disease. Therefore, it has been classified as a Variant of Uncertain Significance.

PreventionGenetics, part of Exact Sciences
Classification: Uncertain significance for IFT172-related condition. Last evaluated: 2024-08-05. Review status: no assertion criteria provided. Collection method: clinical testing. Allele origin: germline. Not counted in ClinVar's aggregate classification.
Comment: The IFT172 c.3226A>G variant is predicted to result in the amino acid substitution p.Arg1076Gly. To our knowledge, this variant has not been reported in the literature. This variant is reported in 0.0026% of alleles in individuals of European (non-Finnish) descent in gnomAD. At this time, the clinical significance of this variant is uncertain due to the absence of conclusive functional and genetic evidence.

NM_015662.3(IFT172):c.3226A>G (p.Arg1076Gly)

Gene: IFT172 (intraflagellar transport 172; minus strand). Cytogenetic location: 2p23.3.
Variant type: single nucleotide variant.
Coding change: c.3226A>G on transcript NM_015662.3 (MANE Select); coding-DNA position 3226, A replaced by G.
Protein change: p.Arg1076Gly; replaces arginine 1076 with glycine.
Molecular consequence: missense variant.
Genome position (GRCh38, 1-based): chr2:27,457,641, T>C on the plus strand (A>G on the coding strand, the complement: IFT172 is on the minus strand). VCF-style: chr2-27457641-T-C. GRCh37 (hg19) VCF-style: chr2-27680508-T-C.
Other names: c.3226A>G (NM_015662.1, NM_015662.2); short protein forms R1076G.
Identifiers: ClinVar variation 1023885 (VCV001023885.9), dbSNP rs770486522, ClinGen allele CA1580057.